The following is an entry in ClinVar:

NM_007107.5(SSR3):c.442G>A (p.Val148Met)

Gene: SSR3 (signal sequence receptor subunit 3; minus strand). Cytogenetic location: 3q25.31.
Variant type: single nucleotide variant.
Coding change: c.442G>A on transcript NM_007107.5 (MANE Select); coding-DNA position 442, G replaced by A.
Protein change: p.Val148Met; replaces valine 148 with methionine.
Molecular consequence: missense variant.
Genome position (GRCh38, 1-based): chr3:156,544,357, C>T on the plus strand (G>A on the coding strand, the complement: SSR3 is on the minus strand). VCF-style: chr3-156544357-C-T. GRCh37 (hg19) VCF-style: chr3-156262146-C-T.
Other names: c.481G>A, p.Val161Met (NM_001308197.2); c.286G>A, p.Val96Met (NM_001308204.2, NM_001308205.2); short protein forms V148M, V161M, V96M.
Identifiers: ClinVar variation 2959907 (VCV002959907.3), dbSNP rs781493375, ClinGen allele CA2678544.
Genomic context (GRCh38, chr3:156,544,357, plus strand): 5'-GAAAAGGATACACTGTGGGGTTGAAGTTCTTCAATATGAAGAAGGAAGCAACAATGACCA[C>T]GACCAGGAACAGAGTGTTGTTATAGAAGATGGAAAATGTTGTAGCTTCATAATCAGCAAC-3'
Protein context (NP_009038.1, residues 138-158): IFYNNTLFLV[Val148Met]VIVASFFILK

ClinVar aggregate classification (germline): Uncertain significance (1 of 4 stars; one submission).

Allele frequency attached by ClinVar (database versions not stated): TOPMed 0.00001; gnomAD 0.00003; ExAC 0.00005; gnomAD exomes 0.00003.
gnomAD v4.1: 50 of 1,595,136 alleles (0.0031%); highest among the groups gnomAD compares: South Asian, 0.038%; no homozygotes.

Submission:

Labcorp Genetics (formerly Invitae), Labcorp
Classification: Uncertain significance. Last evaluated: 2025-08-15. Review status: criteria provided, single submitter. Criteria: Invitae Variant Classification Sherloc (09022015). Collection method: clinical testing. Allele origin: germline.
Comment: This sequence change replaces valine, which is neutral and non-polar, with methionine, which is neutral and non-polar, at codon 161 of the SSR3 protein (p.Val161Met). This variant is present in population databases (rs781493375, gnomAD 0.03%). This variant has not been reported in the literature in individuals affected with SSR3-related conditions. ClinVar contains an entry for this variant (Variation ID: 2959907). An algorithm developed to predict the effect of missense changes on protein structure and function (PolyPhen-2) suggests that this variant is likely to be disruptive. In summary, the available evidence is currently insufficient to determine the role of this variant in disease. Therefore, it has been classified as a Variant of Uncertain Significance.